The following is an entry in ClinVar:

NM_004174.4(SLC9A3):c.1820G>A (p.Ser607Asn)

Genes: SLC9A3 (solute carrier family 9 member A3), SLC9A3-AS1 (SLC9A3 antisense RNA 1; plus strand). Cytogenetic location: 5p15.33.
Variant type: single nucleotide variant.
Coding change: c.1820G>A on transcript NM_004174.4 (MANE Select); coding-DNA position 1820, G replaced by A.
Protein change: p.Ser607Asn; replaces serine 607 with asparagine.
Molecular consequence: missense variant.
Genome position (GRCh38, 1-based): chr5:476,613, C>T on the plus strand (G>A on the coding strand, the complement: SLC9A3 is on the minus strand). VCF-style: chr5-476613-C-T. GRCh37 (hg19) VCF-style: chr5-476728-C-T.
Other names: c.1793G>A, p.Ser598Asn (NM_001284351.3); short protein forms S598N, S607N.
Identifiers: ClinVar variation 2805125 (VCV002805125.3), dbSNP rs1560949504, ClinGen allele CA359025948.
Genomic context (GRCh38, chr5:476,613, plus strand): 5'-GGCTTGTACAGGTACTGCTGTAGCGTGTGGTGCGTGACCATGTCCTCCGCGTCCCGGATG[C>T]TCCGCCGTCGCTGCTCCAGAGACTGCATGTCCAGGCAGACAGCGCTGACATTTTCTCTCC-3'
Protein context (NP_004165.2, residues 597-617): DMQSLEQRRR[Ser607Asn]IRDAEDMVTH

ClinVar aggregate classification (germline): Uncertain significance (1 of 4 stars; one submission).

Submission:

Labcorp Genetics (formerly Invitae), Labcorp
Classification: Uncertain significance. Last evaluated: 2023-05-17. Review status: criteria provided, single submitter. Criteria: Invitae Variant Classification Sherloc (09022015). Collection method: clinical testing. Allele origin: germline.
Comment: In summary, the available evidence is currently insufficient to determine the role of this variant in disease. Therefore, it has been classified as a Variant of Uncertain Significance. Advanced modeling of protein sequence and biophysical properties (such as structural, functional, and spatial information, amino acid conservation, physicochemical variation, residue mobility, and thermodynamic stability) performed at Invitae indicates that this missense variant is not expected to disrupt SLC9A3 protein function. This variant has not been reported in the literature in individuals affected with SLC9A3-related conditions. This variant is not present in population databases (gnomAD no frequency). This sequence change replaces serine, which is neutral and polar, with asparagine, which is neutral and polar, at codon 607 of the SLC9A3 protein (p.Ser607Asn).